The following is an entry in ClinVar:

NM_000218.3(KCNQ1):c.364dup (p.Cys122fs)

Gene: KCNQ1 (potassium voltage-gated channel subfamily Q member 1; plus strand). Cytogenetic location: 11p15.5.
Variant type: Duplication.
Coding change: c.364dup on transcript NM_000218.3 (MANE Select); coding-DNA position 364, one base duplicated (T; older notation c.364dupT).
Protein change: p.Cys122fs; shifts the reading frame from cysteine 122.
Molecular consequence: frameshift variant.
Genome position (GRCh38, 1-based): chr11:2,445,462, T duplicated. VCF-style (leftmost placement, unchanged base first): chr11-2445461-A-AT. GRCh37 (hg19) VCF-style: chr11-2466691-A-AT.
Other names: c.364dupT (NM_000218.2); short protein forms C122fs.
Identifiers: ClinVar variation 200915 (VCV000200915.38), dbSNP rs397508109, ClinGen allele CA277170.
Genomic context (GRCh38, chr11:2,445,461, plus strand): 5'-GGCGCGCACCCACGTCCAGGGCCGCGTCTACAACTTCCTCGAGCGTCCCACCGGCTGGAA[A>AT]TGCTTCGTTTACCACTTCGCCGTGTGAGTATCGCCACCGGCGACGGCCGGCACGAAGGTG-3'

ClinVar aggregate classification (germline): Pathogenic/Likely pathogenic. Review status: criteria provided, multiple submitters, no conflicts (2 of 4 stars). 8 submissions from 8 submitters: Pathogenic (6); Likely pathogenic (1). 1 of the submissions does not count toward it. Last evaluated 2025-05-25.

Conditions:
Cardiovascular phenotype. Identifiers: MedGen CN230736.
KCNQ1-related disorder. Also called: KCNQ1-related disorders; KCNQ1-related condition. Identifiers: MedGen CN239322.
Long QT syndrome (LQTS). Identifiers: MedGen C0023976, MeSH D008133, MONDO:0002442. Disease mechanism: loss of function. Inheritance: Various modes of inheritance.
Long QT syndrome 1 (LQT1). Identifiers: Orphanet 101016, Orphanet 768, MedGen C4551647, MONDO:0100316, OMIM 192500, MONDO:0008646.

Allele frequency attached by ClinVar (database versions not stated): gnomAD below 0.00001 and 0.00001; ExAC 0.00001; gnomAD exomes 0.00002.

Submissions (8):

Labcorp Genetics (formerly Invitae), Labcorp
Classification: Pathogenic for Long QT syndrome. Last evaluated: 2025-05-25. Review status: criteria provided, single submitter. Criteria: Invitae Variant Classification Sherloc (09022015). Collection method: clinical testing. Allele origin: germline.
Comment: This sequence change creates a premature translational stop signal (p.Cys122Leufs*163) in the KCNQ1 gene. It is expected to result in an absent or disrupted protein product. Loss-of-function variants in KCNQ1 are known to be pathogenic (PMID: 9323054, 19862833). This variant is present in population databases (rs397508109, gnomAD 0.02%). This premature translational stop signal has been observed in individual(s) with clinical features of long QT syndrome (PMID: 15840476). This variant is also known as Ins G 2025-2026 (K121fs/629*). ClinVar contains an entry for this variant (Variation ID: 200915). For these reasons, this variant has been classified as Pathogenic.

GeneDx
Classification: Pathogenic. Last evaluated: 2023-12-28. Review status: criteria provided, single submitter. Criteria: GeneDx Variant Classification Process June 2021. Collection method: clinical testing. Allele origin: germline. Affected: yes.
Comment: Frameshift variant predicted to result in protein truncation or nonsense mediated decay in a gene for which loss-of-function is a known mechanism of disease; Not observed at significant frequency in large population cohorts (gnomAD); This variant is associated with the following publications: (PMID: 34505893, 28606196, 23631430, 19716085, 30609406, 29625023, 26582918, 15840476)

Blueprint Genetics
Classification: Pathogenic for KCNQ1-related disorders. Last evaluated: 2021-04-09. Review status: criteria provided, single submitter. Criteria: ACMG Guidelines, 2015. Collection method: clinical testing. Allele origin: germline. Affected: yes. Observed: 1 variant allele.

Centre for Mendelian Genomics, University Medical Centre Ljubljana
Classification: Pathogenic for Long QT syndrome 1. Last evaluated: 2019-08-12. Review status: criteria provided, single submitter. Criteria: ACMG Guidelines, 2015. Collection method: clinical testing. Allele origin: unknown. Affected: yes.
Comment: This variant was classified as: Pathogenic. The following ACMG criteria were applied in classifying this variant: PVS1,PS1,PP4.

Ambry Genetics
Classification: Pathogenic for Cardiovascular phenotype. Last evaluated: 2019-06-18. Review status: criteria provided, single submitter. Criteria: Ambry Variant Classification Scheme 2023. Collection method: clinical testing. Allele origin: germline.
Comment: The c.364dupT pathogenic mutation, located in coding exon 1 of the KCNQ1 gene, results from a duplication of T at nucleotide position 364, causing a translational frameshift with a predicted alternate stop codon (p.C122Lfs*163). The parents were reported to have normal ECGs (Jacobson D et al. Paediatr Child Health, 2014 Mar;19:123-4). This alteration (also referred to as K121fs/629* and 365insT) has also been detected in long QT syndrome genetic testing cohorts; however, details were limited (Tester DJ et al. Heart Rhythm, 2005 May;2:507-17; Kapplinger JD et al. Heart Rhythm, 2009 Sep;6:1297-303). This alteration is expected to result in loss of function by premature protein truncation or nonsense-mediated mRNA decay. As such, this alteration is interpreted as a disease-causing mutation.

Genetic Services Laboratory, University of Chicago
Classification: Pathogenic for Long QT syndrome 1. Last evaluated: 2015-03-04. Review status: criteria provided, single submitter. Criteria: ACMG Guidelines, 2015. Collection method: clinical testing. Allele origin: germline. Affected: yes.

Arcensus
Classification: Likely pathogenic for Long QT syndrome 1. Last evaluated: 2013-02-01. Review status: criteria provided, single submitter. Criteria: ACMG Guidelines, 2015. Collection method: clinical testing. Allele origin: germline. Affected: yes.

PreventionGenetics, part of Exact Sciences
Classification: Pathogenic for KCNQ1-related condition. Last evaluated: 2024-05-06. Review status: no assertion criteria provided. Collection method: clinical testing. Allele origin: germline. Not counted in ClinVar's aggregate classification.
Comment: The KCNQ1 c.364dupT variant is predicted to result in a frameshift and premature protein termination (p.Cys122Leufs*163). This variant has been reported in the heterozygous state in multiple individuals with long QT syndrome and in the homozygous state in an individual with Jervell and Lange-Nielsen syndrome (described as InsG 2025-2026 K121fs/629* in Tester et al. 2005. PubMed ID: 15840476; Table S1, Schwartz et al. 2021. PubMed ID: 34505893; described as c.365insT in Table S1, Kapplinger et al. 2009. PubMed ID: 19716085; Whiffin et al. 2019. PubMed ID: 30609406; Jacobson et al. 2014. PubMed ID: 24665220). This variant is reported in 0.017% of alleles in individuals of South Asian descent in gnomAD. Frameshift variants in KCNQ1 are expected to be pathogenic. This variant is interpreted as pathogenic.

Literature cited by the submitters: PubMed 9323054 (cited by Labcorp Genetics (formerly Invitae), Labcorp); PubMed 19862833 (cited by Labcorp Genetics (formerly Invitae), Labcorp); PubMed 15840476 (cited by Labcorp Genetics (formerly Invitae), Labcorp and Ambry Genetics); PubMed 19716085 (cited by Ambry Genetics); PubMed 24665220 (cited by Ambry Genetics); PubMed 30609406 (cited by Ambry Genetics).